The following is an entry in ClinVar:

ClinVar aggregate classification (germline): Uncertain significance. Review status: criteria provided, multiple submitters, no conflicts (2 of 4 stars). 3 submissions from 3 submitters: Uncertain significance (3). Last evaluated 2025-06-04.

Conditions:
Hypercholesterolemia, autosomal dominant, 3 (FHCL3). Also called: Familial Hypercholesterolemia, Autosomal Dominant, 3; PCSK9-Related Familial Hypercholesterolemia, Autosomal Dominant; Familial hypercholesterolemia 3. Identifiers: MedGen C1863551, MONDO:0011369, OMIM 603776.
Cardiovascular phenotype. Identifiers: MedGen CN230736.
Familial hypercholesterolemia. Also called: Familial hypercholesterolemias; Familial hypercholesterolaemia. Identifiers: MedGen C0020445, MONDO:0005439.

Allele frequency attached by ClinVar (database versions not stated): TOPMed below 0.00001; gnomAD 0.00001; ExAC 0.00002; gnomAD exomes 0.00002.
gnomAD v4.1: 19 of 1,613,080 alleles (0.0012%); highest among the groups gnomAD compares: East Asian, 0.0089%; no homozygotes.

Submissions (3):

Color Diagnostics, LLC DBA Color Health
Classification: Uncertain significance for Familial hypercholesterolemia. Last evaluated: 2025-06-04. Review status: criteria provided, single submitter. Criteria: ACMG Guidelines, 2015. Collection method: clinical testing. Allele origin: germline.
Comment: This missense variant replaces serine with arginine at codon 249 of the PCSK9 protein. Computational prediction tool is inconclusive regarding the impact of this variant on protein structure and function. To our knowledge, functional studies have not been reported for this variant. This has been reported in an individual affected with coronary artery disease (PMID: 38336686). It has also been reported in an individual with low circulating LDL-C levels (PMID: 36142332). This variant has been identified in 6/280382 chromosomes in the general population by the Genome Aggregation Database (gnomAD). The available evidence is insufficient to determine the role of this variant in disease conclusively. Therefore, this variant is classified as a Variant of Uncertain Significance.

All of Us Research Program, National Institutes of Health
Classification: Uncertain significance for Hypercholesterolemia, autosomal dominant, 3. Last evaluated: 2024-02-22. Review status: criteria provided, single submitter. Criteria: ACMG Guidelines, 2015. Collection method: clinical testing. Allele origin: germline. Inheritance: Autosomal dominant inheritance. Observed: 5 variant alleles, 5 heterozygotes.
Comment: This missense variant replaces serine with arginine at codon 249 of the PCSK9 protein. Computational prediction is inconclusive regarding the impact of this variant on protein structure and function (internally defined REVEL score threshold 0.5 < inconclusive < 0.7, PMID: 27666373). To our knowledge, functional studies have not been reported for this variant. This variant has been reported in an individual with low circulating LDL-C levels (PMID: 36142332). It has also been reported in an individual affected with coronary artery disease (DOI:10.21203/rs.3.rs-1250293/v1). This variant has been identified in 6/280382 chromosomes in the general population by the Genome Aggregation Database (gnomAD). The available evidence is insufficient to determine the role of this variant in disease conclusively. Therefore, this variant is classified as a Variant of Uncertain Significance.

This study involves interpretation of variants in research participants for the purpose of population health screening. Participant phenotype was not available at the time of variant classification. Additional details can be found in publication PMID: 35346344, PMCID: PMC8962531

Ambry Genetics
Classification: Uncertain significance for Cardiovascular phenotype. Last evaluated: 2023-12-20. Review status: criteria provided, single submitter. Criteria: Ambry Variant Classification Scheme 2023. Collection method: clinical testing. Allele origin: germline.

Literature cited by the submitters: PubMed 36142332 (cited by Color Diagnostics, LLC DBA Color Health and All of Us Research Program, National Institutes of Health); PubMed 38336686 (cited by Color Diagnostics, LLC DBA Color Health).

NM_174936.4(PCSK9):c.747C>A (p.Ser249Arg)

Gene: PCSK9 (proprotein convertase subtilisin/kexin type 9; plus strand). Cytogenetic location: 1p32.3.
Variant type: single nucleotide variant.
Coding change: c.747C>A on transcript NM_174936.4 (MANE Select); coding-DNA position 747, C replaced by A.
Protein change: p.Ser249Arg; replaces serine 249 with arginine.
Molecular consequence: missense variant.
Genome position (GRCh38, 1-based): chr1:55,052,739, C>A. VCF-style: chr1-55052739-C-A. GRCh37 (hg19) VCF-style: chr1-55518412-C-A.
Other names: c.870C>A, p.Ser290Arg (NM_001407240.1); c.747C>A, p.Ser249Arg (NM_001407241.1, NM_001407244.1, NM_001407247.1); c.750C>A, p.Ser250Arg (NM_001407242.1); c.690C>A, p.Ser230Arg (NM_001407243.1); c.555C>A, p.Ser185Arg (NM_001407245.1); c.372C>A, p.Ser124Arg (NM_001407246.1); short protein forms S249R, S124R, S230R, S290R, S185R, S250R.
Identifiers: ClinVar variation 630151 (VCV000630151.11), dbSNP rs768846693, ClinGen allele CA044267.